The following is an entry in ClinVar:

NM_001099289.3(SH3RF3):c.69C>A (p.Asp23Glu)

Genes: RANBP2 (RAN binding protein 2; plus strand), SH3RF3 (SH3 domain containing ring finger 3; plus strand), SH3RF3-AS1 (SH3RF3 antisense RNA 1; minus strand). Cytogenetic location: 2q13.
Variant type: single nucleotide variant.
Coding change: c.69C>A on transcript NM_001099289.3 (MANE Select); coding-DNA position 69, C replaced by A.
Protein change: p.Asp23Glu; replaces aspartic acid 23 with glutamic acid.
Molecular consequence: missense variant. On other transcripts: non-coding transcript variant (1).
Genome position (GRCh38, 1-based): chr2:109,129,609, C>A. VCF-style: chr2-109129609-C-A. GRCh37 (hg19) VCF-style: chr2-109746065-C-A.
Other names: short protein forms D23E.
Identifiers: ClinVar variation 3441123 (VCV003441123.1).

ClinVar aggregate classification (germline): Uncertain significance (1 of 4 stars; one submission).

Submission:

Ambry Genetics
Classification: Uncertain significance. Last evaluated: 2024-09-04. Review status: criteria provided, single submitter. Criteria: Ambry Variant Classification Scheme 2023. Collection method: clinical testing. Allele origin: germline.
Comment: The c.69C>A (p.D23E) alteration is located in exon (coding exon ) of the SH3RF3 gene. This alteration results from a C to A substitution at nucleotide position 69, causing the aspartic acid (D) at amino acid position 23 to be replaced by a glutamic acid (E). Based on insufficient or conflicting evidence, the clinical significance of this alteration remains unclear.